The following is an entry in ClinVar:

ClinVar aggregate classification (germline): Uncertain significance. Review status: criteria provided, single submitter (1 of 4 stars). 2 submissions from 2 submitters: Uncertain significance (1). 1 of the submissions does not count toward it. Last evaluated 2025-08-20.

Conditions:
GPBAR1-related disorder. Also called: GPBAR1-related condition.

Submissions (2):

Ambry Genetics
Classification: Uncertain significance. Last evaluated: 2025-08-20. Review status: criteria provided, single submitter. Criteria: Ambry Variant Classification Scheme 2023. Collection method: clinical testing. Allele origin: germline.

PreventionGenetics, part of Exact Sciences
Classification: Uncertain significance for GPBAR1-related condition. Last evaluated: 2024-09-26. Review status: no assertion criteria provided. Collection method: clinical testing. Allele origin: germline. Not counted in ClinVar's aggregate classification.
Comment: The GPBAR1 c.328C>T variant is predicted to result in the amino acid substitution p.Arg110Cys. To our knowledge, this variant has not been reported in the literature. This variant is reported in 0.017% of alleles in individuals of African descent in gnomAD. Of note, a different missense variant resulting in a different amino acid change at the same residue (p.Arg110His) has been reported in an individual with heterotaxy (Supplementary Table S9, Edwards et al. 2020. PubMed ID: 32368696). At this time, the clinical significance of the c.328C>T (p.Arg110Cys) variant is uncertain due to the absence of conclusive functional and genetic evidence.

NM_170699.3(GPBAR1):c.328C>T (p.Arg110Cys)

Gene: GPBAR1 (G protein-coupled bile acid receptor 1; plus strand). Cytogenetic location: 2q35.
Variant type: single nucleotide variant.
Coding change: c.328C>T on transcript NM_170699.3 (MANE Select); coding-DNA position 328, C replaced by T.
Protein change: p.Arg110Cys; replaces arginine 110 with cysteine.
Molecular consequence: missense variant.
Genome position (GRCh38, 1-based): chr2:218,263,052, C>T. VCF-style: chr2-218263052-C-T. GRCh37 (hg19) VCF-style: chr2-219127775-C-T.
Other names: c.328C>T, p.Arg110Cys (NM_001077191.2, NM_001077194.2, NM_001321950.2); c.328C>T (NM_001077191.1); short protein forms R110C.
Identifiers: ClinVar variation 3352266 (VCV003352266.2).